The following is an entry in ClinVar:

NM_001148.6(ANK2):c.3505G>T (p.Gly1169Cys)

Gene: ANK2 (ankyrin 2; plus strand). Cytogenetic location: 4q26.
Variant type: single nucleotide variant.
Coding change: c.3505G>T on transcript NM_001148.6 (MANE Select); coding-DNA position 3505, G replaced by T.
Protein change: p.Gly1169Cys; replaces glycine 1169 with cysteine.
Molecular consequence: missense variant. On other transcripts: 5 prime UTR variant (2).
Genome position (GRCh38, 1-based): chr4:113,335,971, G>T. VCF-style: chr4-113335971-G-T. GRCh37 (hg19) VCF-style: chr4-114257127-G-T.
Other names: c.3478G>T, p.Gly1160Cys (NM_001127493.3); c.3517G>T, p.Gly1173Cys (NM_001354225.2); c.3406G>T, p.Gly1136Cys (NM_001354228.2, NM_001354258.2); c.3484G>T, p.Gly1162Cys (NM_001354230.2); c.3547G>T, p.Gly1183Cys (NM_001354231.2, NM_001354242.2); c.3541G>T, p.Gly1181Cys (NM_001354232.2); c.3502G>T, p.Gly1168Cys (NM_001354235.2, NM_001354246.2, NM_001354265.2); c.3403G>T, p.Gly1135Cys (NM_001354236.2); and 31 more; short protein forms G1008C, G1082C, G1114C, G1115C, G1124C, G1135C, G1160C, G1164C.
Identifiers: ClinVar variation 1732112 (VCV001732112.2), dbSNP rs763340139, ClinGen allele CA3050855.

ClinVar aggregate classification (germline): Uncertain significance (1 of 4 stars; one submission).

Conditions:
Cardiovascular phenotype. Identifiers: MedGen CN230736.

Allele frequency attached by ClinVar (database versions not stated): gnomAD exomes below 0.00001; ExAC 0.00001.
gnomAD v4.1: 1 of 1,614,178 alleles (0.000062%); highest among the groups gnomAD compares: East Asian, 0.0022%; no homozygotes.

Submission:

Ambry Genetics
Classification: Uncertain significance for Cardiovascular phenotype. Last evaluated: 2022-03-09. Review status: criteria provided, single submitter. Criteria: Ambry Variant Classification Scheme 2023. Collection method: clinical testing. Allele origin: germline.
Comment: The p.G1169C variant (also known as c.3505G>T), located in coding exon 30 of the ANK2 gene, results from a G to T substitution at nucleotide position 3505. The glycine at codon 1169 is replaced by cysteine, an amino acid with highly dissimilar properties. This amino acid position is conserved. In addition, this alteration is predicted to be deleterious by in silico analysis. Since supporting evidence is limited at this time, the clinical significance of this alteration remains unclear.